The following is an entry in ClinVar:

ClinVar aggregate classification (germline): Pathogenic/Likely pathogenic. Review status: criteria provided, multiple submitters, no conflicts (2 of 4 stars). 3 submissions from 3 submitters: Pathogenic (1); Likely pathogenic (1). 1 of the submissions does not count toward it. Last evaluated 2024-10-28.

Conditions:
Developmental delay with short stature, dysmorphic facial features, and sparse hair 1. Also called: LOUCKS-INNES SYNDROME. Identifiers: MedGen CN323360, MONDO:0800438, OMIM 616901.

Submissions (3):

GeneDx
Classification: Likely pathogenic. Last evaluated: 2024-10-28. Review status: criteria provided, single submitter. Criteria: GeneDx Variant Classification Process June 2021. Collection method: clinical testing. Allele origin: germline. Affected: yes.
Comment: Frameshift variant predicted to result in protein truncation or nonsense mediated decay in a gene for which loss of function is a known mechanism of disease; This variant is associated with the following publications: (PMID: 29362492)

Labcorp Genetics (formerly Invitae), Labcorp
Classification: Pathogenic. Last evaluated: 2024-03-10. Review status: criteria provided, single submitter. Criteria: Invitae Variant Classification Sherloc (09022015). Collection method: clinical testing. Allele origin: germline.
Comment: This sequence change creates a premature translational stop signal (p.Glu97Lysfs*8) in the DPH1 gene. It is expected to result in an absent or disrupted protein product. Loss-of-function variants in DPH1 are known to be pathogenic (PMID: 14744934, 24895408, 29362492, 29410513). This variant is present in population databases (rs756128712, gnomAD 0.02%). This premature translational stop signal has been observed in individual(s) with intellectual disability, short stature, craniofacial abnormalities, and sparse hair (PMID: 29362492). ClinVar contains an entry for this variant (Variation ID: 664140). For these reasons, this variant has been classified as Pathogenic.

OMIM
Classification: Pathogenic for DEVELOPMENTAL DELAY WITH SHORT STATURE, DYSMORPHIC FACIAL FEATURES, AND SPARSE HAIR 1. Last evaluated: 2022-09-30. Review status: no assertion criteria provided. Collection method: literature only. Allele origin: germline. Not counted in ClinVar's aggregate classification.

Literature cited by the submitters: PubMed 14744934 (cited by Labcorp Genetics (formerly Invitae), Labcorp); PubMed 24895408 (cited by Labcorp Genetics (formerly Invitae), Labcorp); PubMed 29362492 (cited by Labcorp Genetics (formerly Invitae), Labcorp and OMIM); PubMed 29410513 (cited by Labcorp Genetics (formerly Invitae), Labcorp).

NM_001383.6(DPH1):c.274del (p.Glu92fs)

Gene: DPH1 (diphthamide biosynthesis 1; plus strand). Cytogenetic location: 17p13.3.
Variant type: Deletion.
Coding change: c.274del on transcript NM_001383.6 (MANE Select); coding-DNA position 274, one base deleted (G; older notation c.274delG).
Protein change: p.Glu92fs; shifts the reading frame from glutamic acid 92.
Molecular consequence: frameshift variant. On other transcripts: non-coding transcript variant (3), 5 prime UTR variant (1).
Genome position (GRCh38, 1-based): chr17:2,033,838, G deleted; the last of 2 consecutive G bases (chr17:2,033,837-2,033,838); deleting either gives the same sequence. VCF-style (leftmost placement, unchanged base first): chr17-2033836-TG-T. GRCh37 (hg19) VCF-style: chr17-1937130-TG-T.
Other names: c.289del, p.Glu97fs (NM_001346574.1, NM_001346575.1); c.-10del (NM_001346576.2); c.289delG (NM_001383.3); c.289del (NM_001383.3); short protein forms E97fs, E92fs.
Identifiers: ClinVar variation 664140 (VCV000664140.9), dbSNP rs756128712, ClinGen allele CA8276901.